The following is an entry in ClinVar:

NM_145870.3(GSTZ1):c.449C>T (p.Ala150Val)

Genes: GSTZ1 (glutathione S-transferase zeta 1; plus strand), LOC126862005 (CDK7 strongly-dependent group 2 enhancer GRCh37_chr14:77795945-77797144; plus strand). Cytogenetic location: 14q24.3.
Variant type: single nucleotide variant.
Coding change: c.449C>T on transcript NM_145870.3 (MANE Select); coding-DNA position 449, C replaced by T.
Protein change: p.Ala150Val; replaces alanine 150 with valine.
Molecular consequence: missense variant.
Genome position (GRCh38, 1-based): chr14:77,329,782, C>T. VCF-style: chr14-77329782-C-T. GRCh37 (hg19) VCF-style: chr14-77796125-C-T.
Other names: GSTZ1, ALA150VAL (rs199552988); c.284C>T, p.Ala95Val (NM_001312660.2); c.452C>T, p.Ala151Val (NM_001363703.2); c.323C>T, p.Ala108Val (NM_145871.3); short protein forms A150V, A108V, A151V, A95V.
Identifiers: ClinVar variation 431041 (VCV000431041.3), dbSNP rs199552988, ClinGen allele CA7286574.

ClinVar aggregate classification (germline): Pathogenic. Review status: criteria provided, single submitter (1 of 4 stars). 2 submissions from 2 submitters: Pathogenic (1). 1 of the submissions does not count toward it. Last evaluated 2025-03-04.

Conditions:
GSTZ1-related disorder. Also called: GSTZ1-related condition.
Maleylacetoacetate isomerase deficiency. Also called: MAAI DEFICIENCY; HYPERSUCCINYLACETONEMIA, MILD; BENIGN HYPERSUCCINYLACETONEMIA. Identifiers: MedGen C1291607, MONDO:0060527, OMIM 617596.

Allele frequency attached by ClinVar (database versions not stated): gnomAD exomes 0.00004 and 0.00007; gnomAD 0.00005; ExAC 0.00007; TOPMed 0.00008; 1000 Genomes Project 30x 0.00016; 1000 Genomes Project 0.00020.
gnomAD v4.1: 64 of 1,613,694 alleles (0.004%); highest among the groups gnomAD compares: East Asian, 0.085%; no homozygotes.

Submissions (2):

PreventionGenetics, part of Exact Sciences
Classification: Pathogenic for GSTZ1-related condition. Last evaluated: 2025-03-04. Review status: criteria provided, single submitter. Criteria: ACMG Guidelines, 2015. Collection method: clinical testing. Allele origin: germline.
Comment: The GSTZ1 c.449C>T variant is predicted to result in the amino acid substitution p.Ala150Val. This variant has been reported in the homozygous state in several individuals with elevated succinylacetone in the plasma but without clinical features of tyrosinemia type I (Yang et al. 2017. PubMed ID: 27876694). Activity of the GSTZ1 enzyme with the p.Ala150Val substitution was reduced relative to wild-type during E. coli enzyme assays (Yang et al. 2017. PubMed ID: 27876694). We have also observed this variant in the homozygous or compound heterozygous state with a second GSTZ1 variant in multiple individuals with mildly elevated succinylacetone in plasma and urine or with positive newborn screen results for tyrosinemia. In most of these individuals, the FAH gene was also analyzed and no FAH variants were found that could explain the biochemical results (Internal Data). Taken together, this variant is interpreted as pathogenic.

OMIM
Classification: Affects for MALEYLACETOACETATE ISOMERASE DEFICIENCY. Last evaluated: 2025-03-05. Review status: no assertion criteria provided. Collection method: literature only. Allele origin: germline. Not counted in ClinVar's aggregate classification.

Literature cited by the submitters: PubMed 27876694 (cited by OMIM).